The following is an entry in ClinVar:

NM_015450.3(POT1):c.475A>C (p.Met159Leu)

Gene: POT1 (protection of telomeres 1; minus strand). Cytogenetic location: 7q31.33.
Variant type: single nucleotide variant.
Coding change: c.475A>C on transcript NM_015450.3 (MANE Select); coding-DNA position 475, A replaced by C.
Protein change: p.Met159Leu; replaces methionine 159 with leucine.
Molecular consequence: missense variant. On other transcripts: non-coding transcript variant (3).
Genome position (GRCh38, 1-based): chr7:124,863,421, T>G on the plus strand (A>C on the coding strand, the complement: POT1 is on the minus strand). VCF-style: chr7-124863421-T-G. GRCh37 (hg19) VCF-style: chr7-124503475-T-G.
Other names: c.82A>C, p.Met28Leu (NM_001042594.2); short protein forms M159L, M28L.
Identifiers: ClinVar variation 972255 (VCV000972255.10), dbSNP rs1449504013, ClinGen allele CA369059033.

ClinVar aggregate classification (germline): Uncertain significance (1 of 4 stars; one submission).

Conditions:
Tumor predisposition syndrome 3 (TPDS3). Also called: Melanoma, cutaneous malignant, susceptibility to, 10; Glioma susceptibility 9; LONG TELOMERE SYNDROME, POT1-RELATED; POT1 Tumor Predisposition. Identifiers: Orphanet 618, MedGen C4014476, MONDO:0014368, OMIM 615848.

Submission:

Labcorp Genetics (formerly Invitae), Labcorp
Classification: Uncertain significance for Tumor predisposition syndrome 3. Last evaluated: 2019-10-23. Review status: criteria provided, single submitter. Criteria: Invitae Variant Classification Sherloc (09022015). Collection method: clinical testing. Allele origin: germline.
Comment: This sequence change replaces methionine with leucine at codon 159 of the POT1 protein (p.Met159Leu). The methionine residue is moderately conserved and there is a small physicochemical difference between methionine and leucine. In summary, the available evidence is currently insufficient to determine the role of this variant in disease. Therefore, it has been classified as a Variant of Uncertain Significance. Algorithms developed to predict the effect of missense changes on protein structure and function output the following: SIFT: "Tolerated"; PolyPhen-2: "Benign"; Align-GVGD: "Class C0". The leucine amino acid residue is found in multiple mammalian species, suggesting that this missense change does not adversely affect protein function. These predictions have not been confirmed by published functional studies and their clinical significance is uncertain. This variant has not been reported in the literature in individuals with POT1-related conditions. This variant is not present in population databases (ExAC no frequency).